The following is an entry in ClinVar:

NM_001330078.2(NRXN1):c.4372C>T (p.Arg1458Trp)

Gene: NRXN1 (neurexin 1; minus strand). Cytogenetic location: 2p16.3.
Variant type: single nucleotide variant.
Coding change: c.4372C>T on transcript NM_001330078.2 (MANE Select); coding-DNA position 4372, C replaced by T.
Protein change: p.Arg1458Trp; replaces arginine 1458 with tryptophan.
Molecular consequence: missense variant.
Genome position (GRCh38, 1-based): chr2:49,922,096, G>A on the plus strand (C>T on the coding strand, the complement: NRXN1 is on the minus strand). VCF-style: chr2-49922096-G-A. GRCh37 (hg19) VCF-style: chr2-50149234-G-A.
Other names: c.4492C>T, p.Arg1498Trp (NM_001135659.3); c.277C>T, p.Arg93Trp (NM_001320156.4); c.268C>T, p.Arg90Trp (NM_001320157.4); c.4348C>T, p.Arg1450Trp (NM_001330077.2); c.4339C>T, p.Arg1447Trp (NM_001330082.2); c.4207C>T, p.Arg1403Trp (NM_001330083.2); c.4306C>T, p.Arg1436Trp (NM_001330084.2); c.4345C>T, p.Arg1449Trp (NM_001330085.2); and 12 more; short protein forms R1428W, R1436W, R1447W, R1449W, R1450W, R1451W, R1455W, R1457W.
Identifiers: ClinVar variation 2630624 (VCV002630624.1), dbSNP rs201785664, ClinGen allele CA1654217.
Genomic context (GRCh38, chr2:49,922,096, plus strand): 5'-ACTGTGCTGAGTTACTGATGTAGTTTCGACTCTCGTCCACATGGTATGAGCCTTCATCCC[G>A]GTTTCTGTACTTGTACATGGCATAGAGGAGGATAAGGATGCACAGGGCGGCAGCGGCTAC-3'
Protein context (NP_001317007.1, residues 1448-1468): LLYAMYKYRN[Arg1458Trp]DEGSYHVDES

ClinVar aggregate classification (germline): Uncertain significance (1 of 4 stars; one submission).

Conditions:
NRXN1-related disorder.

Allele frequency attached by ClinVar (database versions not stated): gnomAD exomes below 0.00001; ExAC 0.00002.
gnomAD v4.1: 1 of 1,614,062 alleles (0.000062%); no homozygotes.

Submission:

PreventionGenetics, part of Exact Sciences
Classification: Uncertain significance for NRXN1-related condition. Last evaluated: 2023-02-21. Review status: criteria provided, single submitter. Criteria: ACMG Guidelines, 2015. Collection method: clinical testing. Allele origin: germline.
Comment: The NRXN1 c.4492C>T variant is predicted to result in the amino acid substitution p.Arg1498Trp. To our knowledge, this variant has not been reported in the literature. This variant is reported in 0.00088% of alleles in individuals of European (Non-Finnish) descent in gnomAD. At this time, the clinical significance of this variant is uncertain due to the absence of conclusive functional and genetic evidence.